The following is an entry in ClinVar:

NM_006946.4(SPTBN2):c.3652A>G (p.Met1218Val)

Gene: SPTBN2 (spectrin beta, non-erythrocytic 2; minus strand). Cytogenetic location: 11q13.2.
Variant type: single nucleotide variant.
Coding change: c.3652A>G on transcript NM_006946.4 (MANE Select); coding-DNA position 3652, A replaced by G.
Protein change: p.Met1218Val; replaces methionine 1218 with valine.
Molecular consequence: missense variant.
Genome position (GRCh38, 1-based): chr11:66,699,530, T>C on the plus strand (A>G on the coding strand, the complement: SPTBN2 is on the minus strand). VCF-style: chr11-66699530-T-C. GRCh37 (hg19) VCF-style: chr11-66467001-T-C.
Other names: c.3673A>G, p.Met1225Val (NM_001411025.1); short protein forms M1218V, M1225V.
Identifiers: ClinVar variation 3322440 (VCV003322440.2).
Genomic context (GRCh38, chr11:66,699,530, plus strand): 5'-GCTGGCGGCCAGCCTCCAGGAGCCCGTGGATCCGTTCCCCATTGGCGTCCATGGTGCTCA[T>C]GAAGTCCTCCAGTTTTTTAATGGCAGCATCAGCAGCCTGGAGTGTCCCTGGCATCTCCGT-3'
Protein context (NP_008877.2, residues 1208-1228): DAAIKKLEDF[Met1218Val]STMDANGERI

ClinVar aggregate classification (germline): Uncertain significance. Review status: criteria provided, multiple submitters, no conflicts (2 of 4 stars). 2 submissions from 2 submitters: Uncertain significance (2). Last evaluated 2024-06-07.

Conditions:
Inborn genetic diseases. Identifiers: MedGen C0950123, MeSH D030342.

Submissions (2):

Ambry Genetics
Classification: Uncertain significance for Inborn genetic diseases. Last evaluated: 2024-06-07. Review status: criteria provided, single submitter. Criteria: Ambry Variant Classification Scheme 2023. Collection method: clinical testing. Allele origin: germline.

Athena Diagnostics
Classification: Uncertain significance. Last evaluated: 2023-11-14. Review status: criteria provided, single submitter. Criteria: Athena Diagnostics Criteria. Collection method: clinical testing. Allele origin: unknown.
Comment: Available data are insufficient to determine the clinical significance of the variant at this time. The frequency of this variant in the general population is uninformative in assessment of its pathogenicity. This variant has been seen where an alternate explanation for disease was also identified, suggesting this variant may not cause disease. Computational tools predict that this variant is not damaging.